The following is an entry in ClinVar:

ClinVar aggregate classification (germline): Uncertain significance (1 of 4 stars; one submission).

Conditions:
Cardiovascular phenotype. Identifiers: MedGen CN230736.

Submission:

Ambry Genetics
Classification: Uncertain significance for Cardiovascular phenotype. Last evaluated: 2022-12-23. Review status: criteria provided, single submitter. Criteria: Ambry Variant Classification Scheme 2023. Collection method: clinical testing. Allele origin: germline.
Comment: The p.Q499H variant (also known as c.1497G>C), located in coding exon 12 of the MYH6 gene, results from a G to C substitution at nucleotide position 1497. The glutamine at codon 499 is replaced by histidine, an amino acid with highly similar properties. This amino acid position is conserved. In addition, the in silico prediction for this alteration is inconclusive. Since supporting evidence is limited at this time, the clinical significance of this alteration remains unclear.

NM_002471.4(MYH6):c.1497G>C (p.Gln499His)

Gene: MYH6 (myosin heavy chain 6; minus strand). Cytogenetic location: 14q11.2.
Variant type: single nucleotide variant.
Coding change: c.1497G>C on transcript NM_002471.4 (MANE Select); coding-DNA position 1497, G replaced by C.
Protein change: p.Gln499His; replaces glutamine 499 with histidine.
Molecular consequence: missense variant.
Genome position (GRCh38, 1-based): chr14:23,400,340, C>G on the plus strand (G>C on the coding strand, the complement: MYH6 is on the minus strand). VCF-style: chr14-23400340-C-G. GRCh37 (hg19) VCF-style: chr14-23869549-C-G.
Other names: short protein forms Q499H.
Identifiers: ClinVar variation 2452918 (VCV002452918.2), dbSNP rs2502191619, ClinGen allele CA389022687.